The following is an entry in ClinVar:

ClinVar aggregate classification (germline): Uncertain significance (1 of 4 stars; one submission).

Conditions:
Charcot-Marie-Tooth disease type 4. Also called: Charcot-Marie-Tooth disease, type IV; Charcot-Marie-Tooth, Type 4. Identifiers: Orphanet 64749, MedGen C4082197, MONDO:0018995.

Submission:

Labcorp Genetics (formerly Invitae), Labcorp
Classification: Uncertain significance for Charcot-Marie-Tooth disease type 4. Last evaluated: 2023-09-19. Review status: criteria provided, single submitter. Criteria: Invitae Variant Classification Sherloc (09022015). Collection method: clinical testing. Allele origin: germline.
Comment: Advanced modeling of protein sequence and biophysical properties (such as structural, functional, and spatial information, amino acid conservation, physicochemical variation, residue mobility, and thermodynamic stability) performed at Invitae indicates that this missense variant is not expected to disrupt NDRG1 protein function. This sequence change replaces serine, which is neutral and polar, with threonine, which is neutral and polar, at codon 114 of the NDRG1 protein (p.Ser114Thr). This variant is not present in population databases (gnomAD no frequency). This variant has not been reported in the literature in individuals affected with NDRG1-related conditions. In summary, the available evidence is currently insufficient to determine the role of this variant in disease. Therefore, it has been classified as a Variant of Uncertain Significance.

NM_006096.4(NDRG1):c.340T>A (p.Ser114Thr)

Gene: NDRG1 (N-myc downstream regulated 1; minus strand). Cytogenetic location: 8q24.22.
Variant type: single nucleotide variant.
Coding change: c.340T>A on transcript NM_006096.4 (MANE Select); coding-DNA position 340, T replaced by A.
Protein change: p.Ser114Thr; replaces serine 114 with threonine.
Molecular consequence: missense variant.
Genome position (GRCh38, 1-based): chr8:133,259,217, A>T on the plus strand (T>A on the coding strand, the complement: NDRG1 is on the minus strand). VCF-style: chr8-133259217-A-T. GRCh37 (hg19) VCF-style: chr8-134271460-A-T.
Other names: c.340T>A, p.Ser114Thr (NM_001135242.2, NM_001374844.1, NM_001374845.1 and 1 more transcripts); c.142T>A, p.Ser48Thr (NM_001258432.2, NM_001374847.1); c.97T>A, p.Ser33Thr (NM_001258433.2); short protein forms S114T, S33T, S48T.
Identifiers: ClinVar variation 2761781 (VCV002761781.3), dbSNP rs780997972, ClinGen allele CA372256093.